The following is an entry in ClinVar:

ClinVar aggregate classification (germline): Pathogenic/Likely pathogenic. Review status: criteria provided, multiple submitters, no conflicts (2 of 4 stars). 4 submissions from 4 submitters: Pathogenic (3); Likely pathogenic (1). Last evaluated 2026-07-23.

Conditions:
Retinitis pigmentosa 25 (RP25). Identifiers: Orphanet 791, MedGen C1864446, MONDO:0011272, OMIM 602772.

Allele frequency attached by ClinVar (database versions not stated): gnomAD 0.00001.

Submissions (4):

Myriad Genetics, Inc.
Classification: Pathogenic for Retinitis pigmentosa 25. Last evaluated: 2026-07-23. Review status: criteria provided, single submitter. Criteria: Myriad Autosomal Dominant, Autosomal Recessive and X-Linked Classification Criteria (2023). Collection method: clinical testing. Allele origin: unknown.
Comment: NM_001142800.1(EYS):c.6191+1G>A is a variant in a canonical splice site classified as likely pathogenic in the context of retinitis pigmentosa, EYS-related. c.6191+1G>A has been observed in cases with relevant disease (PMID: 29159838, 37648803). Relevant functional assessments of this variant are not available in the literature. c.6191+1G>A has not been observed in referenced population frequency databases. In summary, NM_001142800.1(EYS):c.6191+1G>A is a variant in a canonical splice site that has been observed more frequently in cases with the relevant disease than in healthy populations. Please note: this variant was assessed in the context of healthy population screening.

Baylor Genetics
Classification: Pathogenic for Retinitis pigmentosa 25. Last evaluated: 2023-02-02. Review status: criteria provided, single submitter. Criteria: ACMG Guidelines, 2015. Collection method: clinical testing. Allele origin: unknown.

Labcorp Genetics (formerly Invitae), Labcorp
Classification: Pathogenic. Last evaluated: 2022-06-22. Review status: criteria provided, single submitter. Criteria: Invitae Variant Classification Sherloc (09022015). Collection method: clinical testing. Allele origin: germline.
Comment: This variant is not present in population databases (gnomAD no frequency). This sequence change affects a donor splice site in intron 30 of the EYS gene. It is expected to disrupt RNA splicing. Variants that disrupt the donor or acceptor splice site typically lead to a loss of protein function (PMID: 16199547), and loss-of-function variants in EYS are known to be pathogenic (PMID: 18836446, 20333770). Disruption of this splice site has been observed in individuals with retinitis pigmentosa (PMID: 29159838; Invitae). For these reasons, this variant has been classified as Pathogenic. Algorithms developed to predict the effect of sequence changes on RNA splicing suggest that this variant may disrupt the consensus splice site. ClinVar contains an entry for this variant (Variation ID: 1333341).

3billion
Classification: Likely pathogenic for Retinitis pigmentosa 25. Last evaluated: 2022-01-03. Review status: criteria provided, single submitter. Criteria: ACMG Guidelines, 2015. Collection method: clinical testing. Allele origin: germline. Affected: yes. Observed: 1 heterozygote.
Comment: Canonical splice site: predicted to alter splicing and result in a loss or disruption of normal protein function through protein truncation. Multiple pathogenic variants are reported in the predicted truncated region (PVS1_VS). It is not observed in the gnomAD v2.1.1 dataset (PM2_M). Therefore, this variant is classified as likely pathogenic according to the recommendation of ACMG/AMP guideline.

Literature cited by the submitters: PubMed 29159838 (cited by Myriad Genetics, Inc. and Labcorp Genetics (formerly Invitae), Labcorp); PubMed 37648803 (cited by Myriad Genetics, Inc.); PubMed 16199547 (cited by Labcorp Genetics (formerly Invitae), Labcorp); PubMed 18836446 (cited by Labcorp Genetics (formerly Invitae), Labcorp); PubMed 20333770 (cited by Labcorp Genetics (formerly Invitae), Labcorp).

NM_001142800.2(EYS):c.6191+1G>A

Gene: EYS (EGF-like photoreceptor maintenance factor; minus strand). Cytogenetic location: 6q12.
Variant type: single nucleotide variant.
Coding change: c.6191+1G>A on transcript NM_001142800.2 (MANE Select); the canonical splice donor site of the intron after coding-DNA position 6191, G replaced by A.
Molecular consequence: splice donor variant.
Genome position (GRCh38, 1-based): chr6:64,306,969, C>T on the plus strand (G>A on the coding strand, the complement: EYS is on the minus strand). VCF-style: chr6-64306969-C-T. GRCh37 (hg19) VCF-style: chr6-65016862-C-T.
Other names: c.6191+1G>A (NM_001292009.2).
Identifiers: ClinVar variation 1333341 (VCV001333341.9), dbSNP rs1048032321, ClinGen allele CA140305285.
Genomic context (GRCh38, chr6:64,306,969, plus strand): 5'-TGATATCTTTTGGTGTGGTTATTTGAACAAGTTATTAGAAAAATCACTACTGCTATTTTA[C>T]CTGCAATTGTTAATGTGATAGTTTTTCACTGCCTTGGATGGAATGAAAGATCTCCAGTTA-3'